The following is an entry in ClinVar:

ClinVar aggregate classification (germline): Uncertain significance (1 of 4 stars; one submission).

Allele frequency attached by ClinVar (database versions not stated): gnomAD exomes below 0.00001; ExAC 0.00001.
gnomAD v4.1: 1 of 1,613,934 alleles (0.000062%); highest among the groups gnomAD compares: Admixed American, 0.0017%; no homozygotes.

Submission:

Labcorp Genetics (formerly Invitae), Labcorp
Classification: Uncertain significance. Last evaluated: 2022-11-17. Review status: criteria provided, single submitter. Criteria: Invitae Variant Classification Sherloc (09022015). Collection method: clinical testing. Allele origin: germline.
Comment: In summary, the available evidence is currently insufficient to determine the role of this variant in disease. Therefore, it has been classified as a Variant of Uncertain Significance. Algorithms developed to predict the effect of missense changes on protein structure and function are either unavailable or do not agree on the potential impact of this missense change (SIFT: "Deleterious"; PolyPhen-2: "Benign"; Align-GVGD: "Class C65"). This variant has not been reported in the literature in individuals affected with HERC1-related conditions. This variant is present in population databases (rs771460416, gnomAD 0.003%). This sequence change replaces proline, which is neutral and non-polar, with arginine, which is basic and polar, at codon 3914 of the HERC1 protein (p.Pro3914Arg).

NM_003922.4(HERC1):c.11741C>G (p.Pro3914Arg)

Gene: HERC1 (HECT and RLD domain containing E3 ubiquitin protein ligase family member 1; minus strand). Cytogenetic location: 15q22.31.
Variant type: single nucleotide variant.
Coding change: c.11741C>G on transcript NM_003922.4 (MANE Select); coding-DNA position 11741, C replaced by G.
Protein change: p.Pro3914Arg; replaces proline 3914 with arginine.
Molecular consequence: missense variant.
Genome position (GRCh38, 1-based): chr15:63,640,312, G>C on the plus strand (C>G on the coding strand, the complement: HERC1 is on the minus strand). VCF-style: chr15-63640312-G-C. GRCh37 (hg19) VCF-style: chr15-63932511-G-C.
Other names: short protein forms P3914R.
Identifiers: ClinVar variation 2814965 (VCV002814965.3), dbSNP rs771460416, ClinGen allele CA7604161.